The following is an entry in ClinVar:

ClinVar aggregate classification (germline): Uncertain significance (1 of 4 stars; one submission).

Allele frequency attached by ClinVar (database versions not stated): TOPMed 0.00001; ExAC 0.00002; gnomAD 0.00002; gnomAD exomes 0.00002; ESP Exome Variant Server 0.00008.
gnomAD v4.1: 34 of 1,614,054 alleles (0.0021%); highest among the groups gnomAD compares: Non-Finnish European, 0.0021%; no homozygotes.

Submission:

Labcorp Genetics (formerly Invitae), Labcorp
Classification: Uncertain significance. Last evaluated: 2021-08-30. Review status: criteria provided, single submitter. Criteria: Invitae Variant Classification Sherloc (09022015). Collection method: clinical testing. Allele origin: germline.
Comment: This sequence change replaces methionine with threonine at codon 497 of the ASNS protein (p.Met497Thr). The methionine residue is weakly conserved and there is a moderate physicochemical difference between methionine and threonine. This variant is present in population databases (rs376090391, ExAC 0.003%). This variant has not been reported in the literature in individuals affected with ASNS-related conditions. Algorithms developed to predict the effect of missense changes on protein structure and function output the following: SIFT: "Tolerated"; PolyPhen-2: "Benign"; Align-GVGD: "Class C0". The threonine amino acid residue is found in multiple mammalian species, which suggests that this missense change does not adversely affect protein function. In summary, the available evidence is currently insufficient to determine the role of this variant in disease. Therefore, it has been classified as a Variant of Uncertain Significance.

NM_001673.5(ASNS):c.1490T>C (p.Met497Thr)

Genes: ASNS (asparagine synthetase (glutamine-hydrolyzing); minus strand), CZ1P-ASNS (CZ1P-ASNS readthrough; minus strand). Cytogenetic location: 7q21.3.
Variant type: single nucleotide variant.
Coding change: c.1490T>C on transcript NM_001673.5 (MANE Select); coding-DNA position 1490, T replaced by C.
Protein change: p.Met497Thr; replaces methionine 497 with threonine.
Molecular consequence: missense variant. On other transcripts: non-coding transcript variant (1).
Genome position (GRCh38, 1-based): chr7:97,852,455, A>G on the plus strand (T>C on the coding strand, the complement: ASNS is on the minus strand). VCF-style: chr7-97852455-A-G. GRCh37 (hg19) VCF-style: chr7-97481767-A-G.
Other names: c.1427T>C, p.Met476Thr (NM_001178075.2); c.1241T>C, p.Met414Thr (NM_001178076.2, NM_001178077.1); c.1490T>C, p.Met497Thr (NM_001352496.2, NM_133436.3, NM_183356.4); short protein forms M414T, M497T, M476T.
Identifiers: ClinVar variation 1425679 (VCV001425679.5), dbSNP rs376090391, ClinGen allele CA4354487.